The following is an entry in ClinVar:

ClinVar aggregate classification (germline): Pathogenic (1 of 4 stars; one submission).

Conditions:
Congenital hyperammonemia, type I. Also called: Carbamoyl phosphate synthetase I deficiency disease; CPS I DEFICIENCY; Carbamoyl phosphate synthetase 1 deficiency; Hyperammonemia due to carbamoyl phosphate synthetase 1 deficiency; CPS 1 deficiency; Carbamyl phosphate synthetase (CPS) deficiency. Identifiers: Orphanet 147, MedGen C4082171, MONDO:0009376, OMIM 237300.

Submission:

Labcorp Genetics (formerly Invitae), Labcorp
Classification: Pathogenic for Congenital hyperammonemia, type I. Last evaluated: 2023-06-15. Review status: criteria provided, single submitter. Criteria: Invitae Variant Classification Sherloc (09022015). Collection method: clinical testing. Allele origin: germline.
Comment: This sequence change creates a premature translational stop signal (p.Gln1416*) in the CPS1 gene. It is expected to result in an absent or disrupted protein product. Loss-of-function variants in CPS1 are known to be pathogenic (PMID: 21120950). For these reasons, this variant has been classified as Pathogenic. This variant has not been reported in the literature in individuals affected with CPS1-related conditions. This variant is not present in population databases (gnomAD no frequency).

Literature cited by the submitters: PubMed 21120950.

NM_001875.5(CPS1):c.4246C>T (p.Gln1416Ter)

Gene: CPS1 (carbamoyl-phosphate synthase 1; plus strand). Cytogenetic location: 2q34.
Variant type: single nucleotide variant.
Coding change: c.4246C>T on transcript NM_001875.5 (MANE Select); coding-DNA position 4246, C replaced by T.
Protein change: p.Gln1416Ter; replaces glutamine 1416 with a stop codon.
Molecular consequence: nonsense. On other transcripts: non-coding transcript variant (2).
Genome position (GRCh38, 1-based): chr2:210,675,812, C>T. VCF-style: chr2-210675812-C-T. GRCh37 (hg19) VCF-style: chr2-211540536-C-T.
Other names: c.4246C>T, p.Gln1416Ter (NM_001122633.3, NM_001369257.1); c.4279C>T, p.Gln1427Ter (NM_001369256.1); short protein forms Q1416*, Q1427*.
Identifiers: ClinVar variation 2715507 (VCV002715507.3), dbSNP rs2469381777, ClinGen allele CA350440800.